The following is an entry in ClinVar:

ClinVar aggregate classification (germline): Uncertain significance (1 of 4 stars; one submission).

Allele frequency attached by ClinVar (database versions not stated): gnomAD exomes below 0.00001.
gnomAD v4.1: 1 of 1,611,158 alleles (0.000062%); highest among the groups gnomAD compares: Admixed American, 0.0017%; no homozygotes.

Submission:

Labcorp Genetics (formerly Invitae), Labcorp
Classification: Uncertain significance. Last evaluated: 2023-04-20. Review status: criteria provided, single submitter. Criteria: Invitae Variant Classification Sherloc (09022015). Collection method: clinical testing. Allele origin: germline.
Comment: In summary, the available evidence is currently insufficient to determine the role of this variant in disease. Therefore, it has been classified as a Variant of Uncertain Significance. Advanced modeling of protein sequence and biophysical properties (such as structural, functional, and spatial information, amino acid conservation, physicochemical variation, residue mobility, and thermodynamic stability) has been performed at Invitae for this missense variant, however the output from this modeling did not meet the statistical confidence thresholds required to predict the impact of this variant on CACNA1E protein function. This variant has not been reported in the literature in individuals affected with CACNA1E-related conditions. This variant is present in population databases (no rsID available, gnomAD 0.003%). This sequence change replaces methionine, which is neutral and non-polar, with threonine, which is neutral and polar, at codon 648 of the CACNA1E protein (p.Met648Thr).

NM_001205293.3(CACNA1E):c.1943T>C (p.Met648Thr)

Gene: CACNA1E (calcium voltage-gated channel subunit alpha1 E; plus strand). Cytogenetic location: 1q25.3.
Variant type: single nucleotide variant.
Coding change: c.1943T>C on transcript NM_001205293.3 (MANE Select); coding-DNA position 1943, T replaced by C.
Protein change: p.Met648Thr; replaces methionine 648 with threonine.
Molecular consequence: missense variant.
Genome position (GRCh38, 1-based): chr1:181,720,842, T>C. VCF-style: chr1-181720842-T-C. GRCh37 (hg19) VCF-style: chr1-181689978-T-C.
Other names: c.1943T>C, p.Met648Thr (NM_000721.4, NM_001205294.2); short protein forms M648T.
Identifiers: ClinVar variation 2841125 (VCV002841125.3), dbSNP rs1191421217, ClinGen allele CA343627232.